The following is an entry in ClinVar:

NM_016648.4(LARP7):c.1055_1058del (p.Leu352fs)

Genes: LARP7 (La ribonucleoprotein 7, transcriptional regulator; plus strand), MIR302CHG (miR-302/367 cluster host gene; minus strand). Cytogenetic location: 4q25.
Variant type: Deletion.
Coding change: c.1055_1058del on transcript NM_016648.4 (MANE Select); coding-DNA positions 1055 to 1058, 4 bases deleted (TCTT; older notation c.1055_1058delTCTT).
Protein change: p.Leu352fs; shifts the reading frame from leucine 352.
Molecular consequence: frameshift variant.
Genome position (GRCh38, 1-based): chr4:112,647,747-112,647,750, TCTT deleted. VCF-style (leftmost placement, unchanged base first): chr4-112647746-CTCTT-C. GRCh37 (hg19) VCF-style: chr4-113568902-CTCTT-C.
Other names: c.1055_1058del, p.Leu352fs (NM_001267039.4, NM_001370978.1, NM_015454.3); c.1094_1097del, p.Leu365fs (NM_001370974.1, NM_001370975.1); c.1091_1094del, p.Leu364fs (NM_001370976.1, NM_001370977.1); c.1052_1055del, p.Leu351fs (NM_001370979.1, NM_001370980.1); c.818_821del, p.Leu273fs (NM_001370981.1, NM_001370982.1); short protein forms L351fs, L364fs, L365fs, L273fs, L352fs.
Identifiers: ClinVar variation 1459435 (VCV001459435.6), dbSNP rs2149267842, ClinGen allele CA2573137969.

ClinVar aggregate classification (germline): Pathogenic (1 of 4 stars; one submission).

Submission:

Labcorp Genetics (formerly Invitae), Labcorp
Classification: Pathogenic. Last evaluated: 2026-01-05. Review status: criteria provided, single submitter. Criteria: Invitae Variant Classification Sherloc (09022015). Collection method: clinical testing. Allele origin: germline.
Comment: This sequence change creates a premature translational stop signal (p.Leu352Argfs*24) in the LARP7 gene. It is expected to result in an absent or disrupted protein product. Loss-of-function variants in LARP7 are known to be pathogenic (PMID: 22865833, 26374271, 26607181). This variant is not present in population databases (gnomAD no frequency). This variant has not been reported in the literature in individuals affected with LARP7-related conditions. ClinVar contains an entry for this variant (Variation ID: 1459435). For these reasons, this variant has been classified as Pathogenic.

Literature cited by the submitters: PubMed 22865833; PubMed 26374271; PubMed 26607181.